The following is an entry in ClinVar:

ClinVar aggregate classification (germline): Likely benign (1 of 4 stars; one submission).

Allele frequency attached by ClinVar (database versions not stated): gnomAD 0.00001; gnomAD exomes 0.00001; TOPMed 0.00002.
gnomAD v4.1: 14 of 1,614,006 alleles (0.00087%); highest among the groups gnomAD compares: Non-Finnish European, 0.001%; no homozygotes.

Submission:

GeneDx
Classification: Likely benign. Last evaluated: 2016-08-11. Review status: criteria provided, single submitter. Criteria: GeneDx Variant Classification (06012015). Collection method: clinical testing. Allele origin: germline. Affected: yes.
Comment: This variant is considered likely benign or benign based on one or more of the following criteria: it is a conservative change, it occurs at a poorly conserved position in the protein, it is predicted to be benign by multiple in silico algorithms, and/or has population frequency not consistent with disease.

NM_005216.5(DDOST):c.1077T>C (p.Ser359=)

Gene: DDOST (dolichyl-diphosphooligosaccharide--protein glycosyltransferase non-catalytic subunit; minus strand). Cytogenetic location: 1p36.12.
Variant type: single nucleotide variant.
Coding change: c.1077T>C on transcript NM_005216.5 (MANE Select); coding-DNA position 1077, T replaced by C.
Protein change: p.Ser359=; no amino-acid change (serine 359 retained).
Molecular consequence: synonymous variant.
Genome position (GRCh38, 1-based): chr1:20,652,714, A>G on the plus strand (T>C on the coding strand, the complement: DDOST is on the minus strand). VCF-style: chr1-20652714-A-G. GRCh37 (hg19) VCF-style: chr1-20979207-A-G.
Identifiers: ClinVar variation 387986 (VCV000387986.1), dbSNP rs1004299514, ClinGen allele CA16603554.